The following is an entry in ClinVar:

ClinVar aggregate classification (germline): Uncertain significance (1 of 4 stars; one submission).

Conditions:
Brugada syndrome 5 (BRGDA5). Identifiers: Orphanet 130, Orphanet 871, MedGen C2748541, MONDO:0013015, OMIM 612838.

Submission:

Labcorp Genetics (formerly Invitae), Labcorp
Classification: Uncertain significance for Brugada syndrome 5. Last evaluated: 2025-08-10. Review status: criteria provided, single submitter. Criteria: Invitae Variant Classification Sherloc (09022015). Collection method: clinical testing. Allele origin: germline.
Comment: This sequence change replaces arginine, which is basic and polar, with leucine, which is neutral and non-polar, at codon 265 of the SCN1B protein (p.Arg265Leu). This variant is not present in population databases (gnomAD no frequency). This variant has not been reported in the literature in individuals affected with SCN1B-related conditions. ClinVar contains an entry for this variant (Variation ID: 1904398). An algorithm developed to predict the effect of missense changes on protein structure and function (PolyPhen-2) suggests that this variant is likely to be tolerated. In summary, the available evidence is currently insufficient to determine the role of this variant in disease. Therefore, it has been classified as a Variant of Uncertain Significance.

NM_001037.5(SCN1B):c.448+346G>T

Gene: SCN1B (sodium voltage-gated channel beta subunit 1; plus strand). Cytogenetic location: 19q13.11.
Variant type: single nucleotide variant.
Coding change: c.448+346G>T on transcript NM_001037.5 (MANE Select); 346 bases into the intron after coding-DNA position 448, G replaced by T.
Molecular consequence: intron variant. On other transcripts: missense variant (1).
Genome position (GRCh38, 1-based): chr19:35,034,085, G>T. VCF-style: chr19-35034085-G-T. GRCh37 (hg19) VCF-style: chr19-35524989-G-T.
Other names: c.794G>T, p.Arg265Leu (NM_199037.5); c.349+346G>T (NM_001321605.2); short protein forms R265L.
Identifiers: ClinVar variation 1904398 (VCV001904398.5), dbSNP rs76302703, ClinGen allele CA405329862.